The following is an entry in ClinVar:

NM_032043.3(BRIP1):c.1046C>G (p.Ala349Gly)

Gene: BRIP1 (BRCA1 interacting DNA helicase 1; minus strand). Cytogenetic location: 17q23.2.
Variant type: single nucleotide variant.
Coding change: c.1046C>G on transcript NM_032043.3 (MANE Select); coding-DNA position 1046, C replaced by G.
Protein change: p.Ala349Gly; replaces alanine 349 with glycine.
Molecular consequence: missense variant.
Genome position (GRCh38, 1-based): chr17:61,801,347, G>C on the plus strand (C>G on the coding strand, the complement: BRIP1 is on the minus strand). VCF-style: chr17-61801347-G-C. GRCh37 (hg19) VCF-style: chr17-59878708-G-C.
Other names: short protein forms A349G.
Identifiers: ClinVar variation 3228078 (VCV003228078.1), dbSNP rs1184306036, ClinGen allele CA400484045.

ClinVar aggregate classification (germline): Uncertain significance (1 of 4 stars; one submission).

Conditions:
Hereditary cancer-predisposing syndrome. Also called: Neoplastic Syndromes, Hereditary; Tumor predisposition; Hereditary neoplastic syndrome; Hereditary Cancer Syndrome. Identifiers: Orphanet 140162, MedGen C0027672, MeSH D009386, MONDO:0015356.

Allele frequency attached by ClinVar (database versions not stated): gnomAD exomes below 0.00001.
gnomAD v4.1: 1 of 1,613,958 alleles (0.000062%); highest among the groups gnomAD compares: South Asian, 0.0011%; no homozygotes.

Submission:

Ambry Genetics
Classification: Uncertain significance for Hereditary cancer-predisposing syndrome. Last evaluated: 2023-10-13. Review status: criteria provided, single submitter. Criteria: Ambry Variant Classification Scheme 2023. Collection method: clinical testing. Allele origin: germline.
Comment: The p.A349G variant (also known as c.1046C>G), located in coding exon 7 of the BRIP1 gene, results from a C to G substitution at nucleotide position 1046. The alanine at codon 349 is replaced by glycine, an amino acid with similar properties. This amino acid position is well conserved in available vertebrate species. In addition, this alteration is predicted to be tolerated by in silico analysis. Since supporting evidence is limited at this time, the clinical significance of this alteration remains unclear.